The following is an entry in ClinVar:

NM_004183.4(BEST1):c.1348G>T (p.Val450Leu)

Gene: BEST1 (bestrophin 1; plus strand). Cytogenetic location: 11q12.3.
Variant type: single nucleotide variant.
Coding change: c.1348G>T on transcript NM_004183.4 (MANE Select); coding-DNA position 1348, G replaced by T.
Protein change: p.Val450Leu; replaces valine 450 with leucine.
Molecular consequence: missense variant. On other transcripts: non-coding transcript variant (1).
Genome position (GRCh38, 1-based): chr11:61,962,502, G>T. VCF-style: chr11-61962502-G-T. GRCh37 (hg19) VCF-style: chr11-61729974-G-T.
Other names: c.1168G>T, p.Val390Leu (NM_001139443.3, NM_001300787.2); c.1087G>T, p.Val363Leu (NM_001300786.2); c.1030G>T, p.Val344Leu (NM_001363591.3); c.*243G>T (NM_001363592.2); c.376G>T, p.Val126Leu (NM_001363593.3); short protein forms V126L, V344L, V450L, V363L, V390L.
Identifiers: ClinVar variation 2111873 (VCV002111873.4), dbSNP rs764761141, ClinGen allele CA380848551.

ClinVar aggregate classification (germline): Uncertain significance (1 of 4 stars; one submission).

Submission:

Labcorp Genetics (formerly Invitae), Labcorp
Classification: Uncertain significance. Last evaluated: 2022-03-14. Review status: criteria provided, single submitter. Criteria: Invitae Variant Classification Sherloc (09022015). Collection method: clinical testing. Allele origin: germline.
Comment: In summary, the available evidence is currently insufficient to determine the role of this variant in disease. Therefore, it has been classified as a Variant of Uncertain Significance. Advanced modeling of protein sequence and biophysical properties (such as structural, functional, and spatial information, amino acid conservation, physicochemical variation, residue mobility, and thermodynamic stability) performed at Invitae indicates that this missense variant is not expected to disrupt BEST1 protein function. This variant has not been reported in the literature in individuals affected with BEST1-related conditions. This variant is not present in population databases (gnomAD no frequency). This sequence change replaces valine, which is neutral and non-polar, with leucine, which is neutral and non-polar, at codon 450 of the BEST1 protein (p.Val450Leu).